The following is an entry in ClinVar:

ClinVar aggregate classification (germline): Uncertain significance (0 of 4 stars; one submission).

Conditions:
TTN-related disorder. Also called: TTN-related disorders; TTN-related condition; TTN-related disease.

Submission:

PreventionGenetics, part of Exact Sciences
Classification: Uncertain significance for TTN-related condition. Last evaluated: 2024-03-29. Review status: no assertion criteria provided. Collection method: clinical testing. Allele origin: germline.
Comment: The TTN c.47093A>C variant is predicted to result in the amino acid substitution p.Asp15698Ala. To our knowledge, this variant has not been reported in the literature or in a large population database, indicating this variant is rare. At this time, the clinical significance of this variant is uncertain due to the absence of conclusive functional and genetic evidence.

NM_001267550.2(TTN):c.47093A>C (p.Asp15698Ala)

Genes: TTN (titin; minus strand), TTN-AS1 (TTN antisense RNA 1; plus strand). Cytogenetic location: 2q31.2.
Variant type: single nucleotide variant.
Coding change: c.47093A>C on transcript NM_001267550.2 (MANE Select); coding-DNA position 47093, A replaced by C.
Protein change: p.Asp15698Ala; replaces aspartic acid 15698 with alanine.
Molecular consequence: missense variant.
Genome position (GRCh38, 1-based): chr2:178,618,365, T>G on the plus strand (A>C on the coding strand, the complement: TTN is on the minus strand). VCF-style: chr2-178618365-T-G. GRCh37 (hg19) VCF-style: chr2-179483092-T-G.
Other names: c.42170A>C, p.Asp14057Ala (NM_001256850.1); c.19898A>C, p.Asp6633Ala (NM_003319.4); c.39389A>C, p.Asp13130Ala (NM_133378.4); c.20273A>C, p.Asp6758Ala (NM_133432.3); c.20474A>C, p.Asp6825Ala (NM_133437.4); short protein forms D13130A, D14057A, D15698A, D6633A, D6758A, D6825A.
Identifiers: ClinVar variation 3346491 (VCV003346491.1).